The following is an entry in ClinVar:

NM_000548.5(TSC2):c.299C>T (p.Ala100Val)

Gene: TSC2 (TSC complex subunit 2; plus strand). Cytogenetic location: 16p13.3.
Variant type: single nucleotide variant.
Coding change: c.299C>T on transcript NM_000548.5 (MANE Select); coding-DNA position 299, C replaced by T.
Protein change: p.Ala100Val; replaces alanine 100 with valine.
Molecular consequence: missense variant. On other transcripts: intron variant (2).
Genome position (GRCh38, 1-based): chr16:2,053,415, C>T. VCF-style: chr16-2053415-C-T. GRCh37 (hg19) VCF-style: chr16-2103416-C-T.
Other names: c.299C>T, p.Ala100Val (NM_001077183.3, NM_001114382.3, NM_001363528.2 and 3 more transcripts); c.152C>T, p.Ala51Val (NM_001318829.2); c.332C>T, p.Ala111Val (NM_001318832.2); c.226-881C>T (NM_001318827.2); c.-1-2781C>T (NM_001318831.2); c.299C>T (NM_000548.4); short protein forms A100V, A111V, A51V.
Identifiers: ClinVar variation 467984 (VCV000467984.70), dbSNP rs375824753, ClinGen allele CA043693.

ClinVar aggregate classification (germline): Conflicting classifications of pathogenicity. Review status: criteria provided, conflicting classifications (1 of 4 stars). 11 submissions from 11 submitters: Uncertain significance (1); Benign (2); Likely benign (8). Last evaluated 2026-08-01.

Conditions:
Tuberous sclerosis 2 (TSC2). Identifiers: Orphanet 805, MedGen C1860707, MONDO:0013199, OMIM 613254.
TSC2-related disorder. Also called: TSC2-related condition; TSC2-Related Disorders.
Hereditary cancer-predisposing syndrome. Also called: Hereditary neoplastic syndrome; Tumor predisposition; Neoplastic Syndromes, Hereditary; Hereditary Cancer Syndrome. Identifiers: Orphanet 140162, MedGen C0027672, MeSH D009386, MONDO:0015356.
Tuberous sclerosis syndrome (TSC). Also called: Tuberous Sclerosis Complex; Tuberous sclerosis. Identifiers: Orphanet 805, MedGen C0041341, MONDO:0001734.

Allele frequency attached by ClinVar (database versions not stated): gnomAD 0.00003; TOPMed 0.00003; gnomAD exomes 0.00007; ESP Exome Variant Server 0.00008; ExAC 0.00009.

Submissions (11):

PreventionGenetics, part of Exact Sciences
Classification: Likely benign for TSC2-related condition. Last evaluated: 2026-08-01. Review status: criteria provided, single submitter. Criteria: ACMG Guidelines, 2015. Collection method: clinical testing. Allele origin: germline.
Comment: This variant is classified as likely benign based on ACMG/AMP sequence variant interpretation guidelines (Richards et al. 2015 PMID: 25741868, with internal and published modifications).

Labcorp Genetics (formerly Invitae), Labcorp
Classification: Benign for Tuberous sclerosis 2. Last evaluated: 2026-01-30. Review status: criteria provided, single submitter. Criteria: Invitae Variant Classification Sherloc (09022015). Collection method: clinical testing. Allele origin: germline.

Myriad Genetics, Inc.
Classification: Likely benign for Tuberous sclerosis 2. Last evaluated: 2025-05-02. Review status: criteria provided, single submitter. Criteria: Myriad Autosomal Dominant, Autosomal Recessive and X-Linked Classification Criteria (2023). Collection method: clinical testing. Allele origin: unknown.
Comment: This variant is considered likely benign. This variant has been observed at a population frequency that is significantly greater than expected given the associated disease prevalence and penetrance.

Blueprint Genetics
Classification: Likely benign. Last evaluated: 2024-10-17. Review status: criteria provided, single submitter. Criteria: ACMG Guidelines, 2015. Collection method: clinical testing. Allele origin: germline.

Quest Diagnostics Nichols Institute San Juan Capistrano
Classification: Likely benign. Last evaluated: 2023-07-06. Review status: criteria provided, single submitter. Criteria: Quest Diagnostics criteria. Collection method: clinical testing. Allele origin: unknown.
Comment: The frequency of this variant in the general population is higher than would generally be expected for pathogenic variants in this gene.

Color Diagnostics, LLC DBA Color Health
Classification: Likely benign for Tuberous sclerosis syndrome. Last evaluated: 2022-09-12. Review status: criteria provided, single submitter. Criteria: ACMG Guidelines, 2015. Collection method: clinical testing. Allele origin: germline.

Genome-Nilou Lab
Classification: Likely benign for Tuberous sclerosis 2. Last evaluated: 2021-11-07. Review status: criteria provided, single submitter. Criteria: ACMG Guidelines, 2015. Collection method: clinical testing. Allele origin: germline. Affected: no.

Ambry Genetics
Classification: Benign for Hereditary cancer-predisposing syndrome. Last evaluated: 2021-05-06. Review status: criteria provided, single submitter. Criteria: Ambry Variant Classification Scheme 2023. Collection method: clinical testing. Allele origin: germline.

CeGaT Center for Human Genetics Tuebingen
Classification: Uncertain significance. Last evaluated: 2018-08-01. Review status: criteria provided, single submitter. Criteria: CeGaT Center For Human Genetics Tuebingen Variant Classification Criteria Version 2. Collection method: clinical testing. Allele origin: germline. Affected: yes. Observed: 3 variant alleles.

GeneDx
Classification: Likely benign. Last evaluated: 2018-05-11. Review status: criteria provided, single submitter. Criteria: GeneDx Variant Classification (06012015). Collection method: clinical testing. Allele origin: germline. Affected: yes.
Comment: This variant is considered likely benign or benign based on one or more of the following criteria: it is a conservative change, it occurs at a poorly conserved position in the protein, it is predicted to be benign by multiple in silico algorithms, and/or has population frequency not consistent with disease.

Eurofins Ntd Llc (ga)
Classification: Likely benign. Last evaluated: 2018-01-26. Review status: criteria provided, single submitter. Criteria: EGL Classification Definitions 2015. Collection method: clinical testing. Allele origin: germline. Observed: 2 variant alleles, 2 heterozygotes.

Literature cited by the submitters: PubMed 29641532 (cited by Ambry Genetics).